The following is an entry in ClinVar:

NM_000049.4(ASPA):c.290del (p.Asn97fs)

Genes: SPATA22 (spermatogenesis associated 22; minus strand), ASPA (aspartoacylase; plus strand). Cytogenetic location: 17p13.2.
Variant type: Deletion.
Coding change: c.290del on transcript NM_000049.4 (MANE Select); coding-DNA position 290, one base deleted (A; older notation c.290delA).
Protein change: p.Asn97fs; shifts the reading frame from asparagine 97.
Molecular consequence: frameshift variant. On other transcripts: intron variant (2).
Genome position (GRCh38, 1-based): chr17:3,481,656, A deleted; the last of 3 consecutive A bases (chr17:3,481,654-3,481,656); deleting any one gives the same sequence. VCF-style (leftmost placement, unchanged base first): chr17-3481653-TA-T. GRCh37 (hg19) VCF-style: chr17-3384947-TA-T.
Other names: c.290del, p.Asn97fs (NM_001128085.1); c.-73-12256del (NM_001321336.2, NM_001321337.2); short protein forms N97fs.
Identifiers: ClinVar variation 4818417 (VCV004818417.1).
Genomic context (GRCh38, chr17:3,481,653, plus strand): 5'-CTTATAACAGCAAAAAAATGTCAGAAGATTTGCCATATGAAGTGAGAAGGGCTCAAGAAA[TA>T]AATCATTTATTTGGTCCAAAAGACAGTGAAGATTCCTATGACATTATTTTTGACCTTCAC-3'

ClinVar aggregate classification (germline): Likely pathogenic (1 of 4 stars; one submission).

Conditions:
Spongy degeneration of central nervous system. Also called: ACY2 DEFICIENCY; AMINOACYLASE 2 DEFICIENCY; ASP DEFICIENCY; ASPA DEFICIENCY; ASPARTOACYLASE DEFICIENCY; CANAVAN-VAN BOGAERT-BERTRAND DISEASE. Identifiers: Orphanet 141, MedGen C0206307, MONDO:0010079, OMIM 271900.

Submission:

Natera, Inc.
Classification: Likely pathogenic for Canavan Disease. Last evaluated: 2024-09-10. Review status: criteria provided, single submitter. Criteria: Natera Variant Classification Schema (03/2026). Collection method: clinical testing. Allele origin: germline.
Comment: The c.290del variant in ASPA is a frameshift variant predicted to shift the reading frame beginning at codon 97 and leads to a stop codon 40 codons downstream. This variant is expected to result in nonsense mediated decay, truncation, or a dysfunctional protein product. This variant is rare in the general population with a frequency below the threshold expected for the associated phenotype(s). Given the available evidence, this variant is classified as Likely Pathogenic.